The following is an entry in ClinVar:

ClinVar aggregate classification (germline): Uncertain significance. Review status: criteria provided, multiple submitters, no conflicts (2 of 4 stars). 2 submissions from 2 submitters: Uncertain significance (2). Last evaluated 2025-11-03.

Conditions:
Glycogen storage disease due to muscle and heart glycogen synthase deficiency. Also called: GSD 0b; MUSCLE GLYCOGEN SYNTHASE DEFICIENCY. Identifiers: Orphanet 137625, MedGen C1969054, MONDO:0012693, OMIM 611556.
Inborn genetic diseases. Identifiers: MedGen C0950123, MeSH D030342.

Allele frequency attached by ClinVar (database versions not stated): ExAC 0.00002; gnomAD 0.00002; gnomAD exomes 0.00002 and 0.00004; TOPMed 0.00006.
gnomAD v4.1: 39 of 1,613,894 alleles (0.0024%); highest among the groups gnomAD compares: Admixed American, 0.013%; no homozygotes.

Submissions (2):

Labcorp Genetics (formerly Invitae), Labcorp
Classification: Uncertain significance for Glycogen storage disease due to muscle and heart glycogen synthase deficiency. Last evaluated: 2025-11-03. Review status: criteria provided, single submitter. Criteria: Invitae Variant Classification Sherloc (09022015). Collection method: clinical testing. Allele origin: germline.
Comment: This sequence change replaces threonine, which is neutral and polar, with methionine, which is neutral and non-polar, at codon 49 of the GYS1 protein (p.Thr49Met). This variant is present in population databases (rs748894032, gnomAD 0.01%). This variant has not been reported in the literature in individuals affected with GYS1-related conditions. ClinVar contains an entry for this variant (Variation ID: 1514801). Invitae Evidence Modeling of protein sequence and biophysical properties (such as structural, functional, and spatial information, amino acid conservation, physicochemical variation, residue mobility, and thermodynamic stability) indicates that this missense variant is expected to disrupt GYS1 protein function with a positive predictive value of 80%. In summary, the available evidence is currently insufficient to determine the role of this variant in disease. Therefore, it has been classified as a Variant of Uncertain Significance.

Ambry Genetics
Classification: Uncertain significance for Inborn genetic diseases. Last evaluated: 2025-08-14. Review status: criteria provided, single submitter. Criteria: Ambry Variant Classification Scheme 2023. Collection method: clinical testing. Allele origin: germline.

NM_002103.5(GYS1):c.146C>T (p.Thr49Met)

Gene: GYS1 (glycogen synthase 1; minus strand). Cytogenetic location: 19q13.33.
Variant type: single nucleotide variant.
Coding change: c.146C>T on transcript NM_002103.5 (MANE Select); coding-DNA position 146, C replaced by T.
Protein change: p.Thr49Met; replaces threonine 49 with methionine.
Molecular consequence: missense variant.
Genome position (GRCh38, 1-based): chr19:48,991,456, G>A on the plus strand (C>T on the coding strand, the complement: GYS1 is on the minus strand). VCF-style: chr19-48991456-G-A. GRCh37 (hg19) VCF-style: chr19-49494713-G-A.
Other names: c.146C>T, p.Thr49Met (NM_001161587.2); c.146C>T (NM_002103.4); short protein forms T49M.
Identifiers: ClinVar variation 1514801 (VCV001514801.6), dbSNP rs748894032, ClinGen allele CA9563433.
Genomic context (GRCh38, chr19:48,991,456, plus strand): 5'-GTGTACGGCCCCACCAGGAAGTAGTTGTCGCCCCATTCGTCCCCTGTCACCTTCGCCTTC[G>A]TCTGCAGCACCGTGTAGATGCCACCCACTGTGGGCCCAAGCGTGTGAGGGCAGGCCCCGG-3'
Protein context (NP_002094.2, residues 39-59): KVGGIYTVLQ[Thr49Met]KAKVTGDEWG